The following is an entry in ClinVar:

NM_001164508.2(NEB):c.22079A>T (p.His7360Leu)

Genes: NEB (nebulin; minus strand), RIF1 (replication timing regulatory factor 1; plus strand). Cytogenetic location: 2q23.3.
Variant type: single nucleotide variant.
Coding change: c.22079A>T on transcript NM_001164508.2 (MANE Select); coding-DNA position 22079, A replaced by T.
Protein change: p.His7360Leu; replaces histidine 7360 with leucine.
Molecular consequence: missense variant.
Genome position (GRCh38, 1-based): chr2:151,526,040, T>A on the plus strand (A>T on the coding strand, the complement: NEB is on the minus strand). VCF-style: chr2-151526040-T-A. GRCh37 (hg19) VCF-style: chr2-152382554-T-A.
Other names: c.22079A>T, p.His7360Leu (NM_001164507.2); c.22184A>T, p.His7395Leu (NM_001271208.2); c.16976A>T, p.His5659Leu (NM_004543.5); short protein forms H5659L, H7360L, H7395L.
Identifiers: ClinVar variation 2635184 (VCV002635184.1), dbSNP rs1352004560, ClinGen allele CA348766268.

ClinVar aggregate classification (germline): Uncertain significance (1 of 4 stars; one submission).

Conditions:
NEB-related disorder. Also called: NEB-Related Disorders; NEB-related condition.

Allele frequency attached by ClinVar (database versions not stated): gnomAD exomes below 0.00001; TOPMed below 0.00001.
gnomAD v4.1: 1 of 1,613,944 alleles (0.000062%); highest among the groups gnomAD compares: Admixed American, 0.0017%; no homozygotes.

Submission:

PreventionGenetics, part of Exact Sciences
Classification: Uncertain significance for NEB-related condition. Last evaluated: 2022-12-08. Review status: criteria provided, single submitter. Criteria: ACMG Guidelines, 2015. Collection method: clinical testing. Allele origin: germline.
Comment: The NEB c.22184A>T variant is predicted to result in the amino acid substitution p.His7395Leu. To our knowledge, this variant has not been reported in the literature. This variant is reported in 0.0029% of alleles in individuals of Latino descent in gnomAD. At this time, the clinical significance of this variant is uncertain due to the absence of conclusive functional and genetic evidence.